The following is an entry in ClinVar:

NM_001797.4(CDH11):c.1446C>T (p.Asn482=)

Gene: CDH11 (cadherin 11; minus strand). Cytogenetic location: 16q21.
Variant type: single nucleotide variant.
Coding change: c.1446C>T on transcript NM_001797.4 (MANE Select); coding-DNA position 1446, C replaced by T.
Protein change: p.Asn482=; no amino-acid change (asparagine 482 retained).
Molecular consequence: synonymous variant.
Genome position (GRCh38, 1-based): chr16:64,972,009, G>A on the plus strand (C>T on the coding strand, the complement: CDH11 is on the minus strand). VCF-style: chr16-64972009-G-A. GRCh37 (hg19) VCF-style: chr16-65005912-G-A.
Other names: c.1446C>T, p.Asn482= (NM_001308392.2); c.1068C>T, p.Asn356= (NM_001330576.2).
Identifiers: ClinVar variation 719533 (VCV000719533.30), dbSNP rs146549125, ClinGen allele CA8092102.
Genomic context (GRCh38, chr16:64,972,009, plus strand): 5'-GGTCTGATCACTCTCACAGATGAAACCTTCATAAGGGGCAGCAAACTTGGGAGCATTATC[G>A]TTGACATCAAGGACCCTAATGGCCACTGGGACTTTGGCTTCCTGATGCCGATTGTCTGGG-3'
Protein context (NP_001788.2, residues 472-492): VPVAIRVLDV[Asn482=]DNAPKFAAPY

ClinVar aggregate classification (germline): Benign/Likely benign. Review status: criteria provided, multiple submitters, no conflicts (2 of 4 stars). 4 submissions from 4 submitters: Benign (2); Likely benign (2). Last evaluated 2026-08-01.

Allele frequency attached by ClinVar (database versions not stated): gnomAD exomes 0.00037 and 0.00070; ExAC 0.00092; gnomAD 0.00235 and 0.00244; TOPMed 0.00280; ESP Exome Variant Server 0.00284; 1000 Genomes Project 30x 0.00406; 1000 Genomes Project 0.00459.

Submissions (4):

CeGaT Center for Human Genetics Tuebingen
Classification: Likely benign. Last evaluated: 2026-08-01. Review status: criteria provided, single submitter. Criteria: CeGaT Center For Human Genetics Tuebingen Variant Classification Criteria Version 2. Collection method: clinical testing. Allele origin: germline. Affected: yes. Observed: 7 variant alleles.
Comment: CDH11: BP4, BP7

Blueprint Genetics
Classification: Likely benign. Last evaluated: 2024-11-17. Review status: criteria provided, single submitter. Criteria: ACMG Guidelines, 2015. Collection method: clinical testing. Allele origin: germline.

Labcorp Genetics (formerly Invitae), Labcorp
Classification: Benign. Last evaluated: 2019-12-31. Review status: criteria provided, single submitter. Criteria: Invitae Variant Classification Sherloc (09022015). Collection method: clinical testing. Allele origin: germline.

Breakthrough Genomics
Classification: Benign. Review status: criteria provided, single submitter. Criteria: ACMG Guidelines, 2015. Collection method: not provided. Allele origin: germline. Inheritance: Autosomal recessive inheritance. Affected: yes.